The following is an entry in ClinVar:

ClinVar aggregate classification (germline): Likely benign. Review status: criteria provided, single submitter (1 of 4 stars). 2 submissions from 2 submitters: Likely benign (1). 1 of the submissions does not count toward it. Last evaluated 2024-10-14.

Conditions:
LAMA3-related disorder. Also called: LAMA3-related disorders; LAMA3-related condition.

gnomAD v4.1: 1,680 of 1,611,936 alleles (0.1%); highest among the groups gnomAD compares: Non-Finnish European, 0.13%; 2 homozygotes.

Submissions (2):

Blueprint Genetics
Classification: Likely benign. Last evaluated: 2024-10-14. Review status: criteria provided, single submitter. Criteria: ACMG Guidelines, 2015. Collection method: clinical testing. Allele origin: germline.

PreventionGenetics, part of Exact Sciences
Classification: Likely benign for LAMA3-related condition. Last evaluated: 2024-06-14. Review status: no assertion criteria provided. Collection method: clinical testing. Allele origin: germline. Not counted in ClinVar's aggregate classification.
Comment: This variant is classified as likely benign based on ACMG/AMP sequence variant interpretation guidelines (Richards et al. 2015 PMID: 25741868, with internal and published modifications).

NM_198129.4(LAMA3):c.447+9C>T

Gene: LAMA3 (laminin subunit alpha 3; plus strand). Cytogenetic location: 18q11.2.
Variant type: single nucleotide variant.
Coding change: c.447+9C>T on transcript NM_198129.4 (MANE Select); 9 bases into the intron after coding-DNA position 447, C replaced by T.
Molecular consequence: intron variant.
Genome position (GRCh38, 1-based): chr18:23,714,081, C>T. VCF-style: chr18-23714081-C-T. GRCh37 (hg19) VCF-style: chr18-21294045-C-T.
Other names: c.447+9C>T (NM_001127717.4, NM_001302996.2).
Identifiers: ClinVar variation 3355835 (VCV003355835.2).